The following is an entry in ClinVar:

ClinVar aggregate classification (germline): Uncertain significance (1 of 4 stars; one submission).

Conditions:
Pyogenic arthritis-pyoderma gangrenosum-acne syndrome (PAPA). Also called: FAMILIAL RECURRENT ARTHRITIS; PAPA SYNDROME. Identifiers: Orphanet 69126, MedGen C1858361, MONDO:0011462, OMIM 604416.

Submission:

Labcorp Genetics (formerly Invitae), Labcorp
Classification: Uncertain significance for Pyogenic arthritis-pyoderma gangrenosum-acne syndrome. Last evaluated: 2026-01-12. Review status: criteria provided, single submitter. Criteria: Invitae Variant Classification Sherloc (09022015). Collection method: clinical testing. Allele origin: germline.
Comment: This sequence change replaces proline, which is neutral and non-polar, with alanine, which is neutral and non-polar, at codon 283 of the PSTPIP1 protein (p.Pro283Ala). This variant is not present in population databases (gnomAD no frequency). This variant has not been reported in the literature in individuals affected with PSTPIP1-related conditions. Invitae Evidence Modeling of protein sequence and biophysical properties (such as structural, functional, and spatial information, amino acid conservation, physicochemical variation, residue mobility, and thermodynamic stability) indicates that this missense variant is not expected to disrupt PSTPIP1 protein function with a negative predictive value of 80%. In summary, the available evidence is currently insufficient to determine the role of this variant in disease. Therefore, it has been classified as a Variant of Uncertain Significance.

NM_003978.5(PSTPIP1):c.847C>G (p.Pro283Ala)

Gene: PSTPIP1 (proline-serine-threonine phosphatase interacting protein 1; plus strand). Cytogenetic location: 15q24.3.
Variant type: single nucleotide variant.
Coding change: c.847C>G on transcript NM_003978.5 (MANE Select); coding-DNA position 847, C replaced by G.
Protein change: p.Pro283Ala; replaces proline 283 with alanine.
Molecular consequence: missense variant. On other transcripts: intron variant (1).
Genome position (GRCh38, 1-based): chr15:77,032,870, C>G. VCF-style: chr15-77032870-C-G. GRCh37 (hg19) VCF-style: chr15-77325211-C-G.
Other names: c.820C>G, p.Pro274Ala (NM_001321136.2); c.1042C>G, p.Pro348Ala (NM_001321137.1); c.847C>G, p.Pro283Ala (NM_001411086.1); c.872+442C>G (NM_001321135.2); short protein forms P348A, P283A, P274A.
Identifiers: ClinVar variation 4705533 (VCV004705533.1).